The following is an entry in ClinVar:

ClinVar aggregate classification (germline): Uncertain significance (1 of 4 stars; one submission).

Allele frequency attached by ClinVar (database versions not stated): TOPMed below 0.00001; gnomAD 0.00001; gnomAD exomes 0.00001; ExAC 0.00002; ESP Exome Variant Server 0.00008.
gnomAD v4.1: 7 of 1,595,390 alleles (0.00044%); highest among the groups gnomAD compares: Non-Finnish European, 0.0006%; no homozygotes.

Submission:

Labcorp Genetics (formerly Invitae), Labcorp
Classification: Uncertain significance. Last evaluated: 2025-12-13. Review status: criteria provided, single submitter. Criteria: Invitae Variant Classification Sherloc (09022015). Collection method: clinical testing. Allele origin: germline.
Comment: This sequence change affects an acceptor splice site in intron 17 of the A2ML1 gene. It is expected to disrupt RNA splicing. Variants that disrupt the donor or acceptor splice site typically lead to a loss of protein function (PMID: 16199547), however the current clinical and genetic evidence is not sufficient to establish whether loss-of-function variants in A2ML1 cause disease. This variant is present in population databases (rs201096838, gnomAD 0.002%). This variant has not been reported in the literature in individuals affected with A2ML1-related conditions. ClinVar contains an entry for this variant (Variation ID: 1442268). Algorithms developed to predict the effect of sequence changes on RNA splicing suggest that this variant may disrupt the consensus splice site. In summary, the available evidence is currently insufficient to determine the role of this variant in disease. Therefore, it has been classified as a Variant of Uncertain Significance.

Literature cited by the submitters: PubMed 16199547.

NM_144670.6(A2ML1):c.2120-2A>C

Gene: A2ML1 (alpha-2-macroglobulin like 1; plus strand). Cytogenetic location: 12p13.31.
Variant type: single nucleotide variant.
Coding change: c.2120-2A>C on transcript NM_144670.6 (MANE Select); the canonical splice acceptor site of the intron before coding-DNA position 2120, A replaced by C.
Molecular consequence: splice acceptor variant.
Genome position (GRCh38, 1-based): chr12:8,850,158, A>C. VCF-style: chr12-8850158-A-C. GRCh37 (hg19) VCF-style: chr12-9002754-A-C.
Other names: c.647-2A>C (NM_001282424.3).
Identifiers: ClinVar variation 1442268 (VCV001442268.8), dbSNP rs201096838, ClinGen allele CA6435920.